The following is an entry in ClinVar:

NM_025103.4(IFT74):c.509del (p.Met170fs)

Gene: IFT74 (intraflagellar transport 74; plus strand). Cytogenetic location: 9p21.2.
Variant type: Deletion.
Coding change: c.509del on transcript NM_025103.4 (MANE Select); coding-DNA position 509, one base deleted (T; older notation c.509delT).
Protein change: p.Met170fs; shifts the reading frame from methionine 170.
Molecular consequence: frameshift variant.
Genome position (GRCh38, 1-based): chr9:26,988,712, T deleted. VCF-style (leftmost placement, unchanged base first): chr9-26988711-AT-A. GRCh37 (hg19) VCF-style: chr9-26988709-AT-A.
Other names: c.509del, p.Met170fs (NM_001099222.3, NM_001099223.3, NM_001099224.3 and 1 more transcripts); short protein forms M170fs.
Identifiers: ClinVar variation 1970828 (VCV001970828.5), dbSNP rs2489335458, ClinGen allele CA2580080305.

ClinVar aggregate classification (germline): Pathogenic (1 of 4 stars; one submission).

Submission:

Labcorp Genetics (formerly Invitae), Labcorp
Classification: Pathogenic. Last evaluated: 2022-07-25. Review status: criteria provided, single submitter. Criteria: Invitae Variant Classification Sherloc (09022015). Collection method: clinical testing. Allele origin: germline.
Comment: For these reasons, this variant has been classified as Pathogenic. This variant has not been reported in the literature in individuals affected with IFT74-related conditions. This variant is not present in population databases (gnomAD no frequency). This sequence change creates a premature translational stop signal (p.Met170Argfs*62) in the IFT74 gene. It is expected to result in an absent or disrupted protein product. Loss-of-function variants in IFT74 are known to be pathogenic (PMID: 33531668).

Literature cited by the submitters: PubMed 33531668.